The following is an entry in ClinVar:

ClinVar aggregate classification (germline): Uncertain significance. Review status: criteria provided, multiple submitters, no conflicts (2 of 4 stars). 3 submissions from 3 submitters: Uncertain significance (3). Last evaluated 2025-03-17.

Conditions:
Inborn genetic diseases. Identifiers: MedGen C0950123, MeSH D030342.

Allele frequency attached by ClinVar (database versions not stated): gnomAD exomes 0.00001; ExAC 0.00003; gnomAD 0.00008 and 0.00009; TOPMed 0.00008; ESP Exome Variant Server 0.00015.

Submissions (3):

Ambry Genetics
Classification: Uncertain significance for Inborn genetic diseases. Last evaluated: 2025-03-17. Review status: criteria provided, single submitter. Criteria: Ambry Variant Classification Scheme 2023. Collection method: clinical testing. Allele origin: germline.
Comment: The c.395A>T (p.N132I) alteration is located in exon 3 (coding exon 2) of the TYRP1 gene. This alteration results from an A to T substitution at nucleotide position 395, causing the asparagine (N) at amino acid position 132 to be replaced by an isoleucine (I). Based on data from gnomAD, the T allele has an overall frequency of 0.002% (5/282028) total alleles studied. The highest observed frequency was 0.02% (5/24936) of African alleles. This amino acid position is highly conserved in available vertebrate species. This alteration is predicted to be deleterious by in silico analysis. Based on insufficient or conflicting evidence, the clinical significance of this alteration remains unclear.

Labcorp Genetics (formerly Invitae), Labcorp
Classification: Uncertain significance. Last evaluated: 2025-02-06. Review status: criteria provided, single submitter. Criteria: Invitae Variant Classification Sherloc (09022015). Collection method: clinical testing. Allele origin: germline.
Comment: This sequence change replaces asparagine, which is neutral and polar, with isoleucine, which is neutral and non-polar, at codon 132 of the TYRP1 protein (p.Asn132Ile). This variant is present in population databases (rs143610120, gnomAD 0.03%). This variant has not been reported in the literature in individuals affected with TYRP1-related conditions. ClinVar contains an entry for this variant (Variation ID: 1464209). Invitae Evidence Modeling of protein sequence and biophysical properties (such as structural, functional, and spatial information, amino acid conservation, physicochemical variation, residue mobility, and thermodynamic stability) indicates that this missense variant is expected to disrupt TYRP1 protein function with a positive predictive value of 80%. In summary, the available evidence is currently insufficient to determine the role of this variant in disease. Therefore, it has been classified as a Variant of Uncertain Significance.

Blueprint Genetics
Classification: Uncertain significance. Last evaluated: 2024-06-28. Review status: criteria provided, single submitter. Criteria: ACMG Guidelines, 2015. Collection method: clinical testing. Allele origin: germline.

NM_000550.3(TYRP1):c.395A>T (p.Asn132Ile)

Gene: TYRP1 (tyrosinase related protein 1; plus strand). Cytogenetic location: 9p23.
Variant type: single nucleotide variant.
Coding change: c.395A>T on transcript NM_000550.3 (MANE Select); coding-DNA position 395, A replaced by T.
Protein change: p.Asn132Ile; replaces asparagine 132 with isoleucine.
Molecular consequence: missense variant.
Genome position (GRCh38, 1-based): chr9:12,695,524, A>T. VCF-style: chr9-12695524-A-T. GRCh37 (hg19) VCF-style: chr9-12695524-A-T.
Other names: c.395A>T (NM_000550.2); short protein forms N132I.
Identifiers: ClinVar variation 1464209 (VCV001464209.8), dbSNP rs143610120, ClinGen allele CA4985218.